The following is an entry in ClinVar:

ClinVar aggregate classification (germline): Uncertain significance. Review status: criteria provided, multiple submitters, no conflicts (2 of 4 stars). 2 submissions from 2 submitters: Uncertain significance (2). Last evaluated 2025-10-24.

Allele frequency attached by ClinVar (database versions not stated): ExAC 0.00002; gnomAD 0.00003; TOPMed 0.00005.
gnomAD v4.1: 56 of 1,613,986 alleles (0.0035%); highest among the groups gnomAD compares: Middle Eastern, 0.033%; no homozygotes.

Submissions (2):

Women's Health and Genetics/Laboratory Corporation of America, LabCorp
Classification: Uncertain significance. Last evaluated: 2025-10-24. Review status: criteria provided, single submitter. Criteria: LabCorp Variant Classification Summary - May 2015. Collection method: clinical testing. Allele origin: germline.
Comment: Variant summary: LAMP1 c.977G>A (p.Arg326Gln) results in a conservative amino acid change in the encoded protein sequence. Algorithms developed to predict the effect of missense changes on protein structure and function all suggest that this variant is likely to be tolerated. The variant allele was found at a frequency of 2.8e-05 in 249562 control chromosomes. The available data on variant occurrences in the general population are insufficient to allow any conclusion about variant significance. To our knowledge, no occurrence of c.977G>A in individuals affected with LAMP1-related conditions and no experimental evidence demonstrating its impact on protein function have been reported. ClinVar contains an entry for this variant (Variation ID: 3117745). Based on the evidence outlined above, the variant was classified as uncertain significance.

Ambry Genetics
Classification: Uncertain significance. Last evaluated: 2023-11-14. Review status: criteria provided, single submitter. Criteria: Ambry Variant Classification Scheme 2023. Collection method: clinical testing. Allele origin: germline.

NM_005561.4(LAMP1):c.977G>A (p.Arg326Gln)

Gene: LAMP1 (lysosomal associated membrane protein 1; plus strand). Cytogenetic location: 13q34.
Variant type: single nucleotide variant.
Coding change: c.977G>A on transcript NM_005561.4 (MANE Select); coding-DNA position 977, G replaced by A.
Protein change: p.Arg326Gln; replaces arginine 326 with glutamine.
Molecular consequence: missense variant.
Genome position (GRCh38, 1-based): chr13:113,321,590, G>A. VCF-style: chr13-113321590-G-A. GRCh37 (hg19) VCF-style: chr13-113975905-G-A.
Other names: short protein forms R326Q.
Identifiers: ClinVar variation 3117745 (VCV003117745.2), dbSNP rs767455348, ClinGen allele CA7062822.